The following is an entry in ClinVar:

ClinVar aggregate classification (germline): Uncertain significance (1 of 4 stars; one submission).

Submission:

GeneDx
Classification: Uncertain significance. Last evaluated: 2025-02-25. Review status: criteria provided, single submitter. Criteria: GeneDx Variant Classification Process June 2021. Collection method: clinical testing. Allele origin: germline. Affected: yes.
Comment: Not observed at significant frequency in large population cohorts (gnomAD); In silico analysis supports that this missense variant has a deleterious effect on protein structure/function; Has not been previously published as pathogenic or benign to our knowledge

NM_005647.4(TBL1X):c.1160C>G (p.Ser387Cys)

Gene: TBL1X (transducin beta like 1 X-linked; plus strand). Cytogenetic location: Xp22.2.
Variant type: single nucleotide variant.
Coding change: c.1160C>G on transcript NM_005647.4 (MANE Select); coding-DNA position 1160, C replaced by G.
Protein change: p.Ser387Cys; replaces serine 387 with cysteine.
Molecular consequence: missense variant.
Genome position (GRCh38, 1-based): chrX:9,705,038, C>G. VCF-style: chrX-9705038-C-G. GRCh37 (hg19) VCF-style: chrX-9673078-C-G.
Other names: c.1160C>G, p.Ser387Cys (NM_001139466.1); c.1007C>G, p.Ser336Cys (NM_001139467.1, NM_001139468.1); short protein forms S336C, S387C.
Identifiers: ClinVar variation 4076778 (VCV004076778.1).